The following is an entry in ClinVar:

ClinVar aggregate classification (germline): Uncertain significance (1 of 4 stars; one submission).

Conditions:
Hereditary pulmonary alveolar proteinosis. Also called: Pulmonary surfactant metabolism dysfunction. Identifiers: Orphanet 264675, MedGen C3711368, MONDO:0012580.

Submission:

Ambry Genetics
Classification: Uncertain significance for Hereditary pulmonary alveolar proteinosis. Last evaluated: 2017-12-26. Review status: criteria provided, single submitter. Criteria: Ambry Variant Classification Scheme 2023. Collection method: clinical testing. Allele origin: germline.
Comment: The p.S61G variant (also known as c.181A>G), located in coding exon 2 of the SFTPC gene, results from an A to G substitution at nucleotide position 181. The serine at codon 61 is replaced by glycine, an amino acid with similar properties. This variant was identified in one infant with pulmonary alveolar proteinosis who required mechanical ventilation and lung transplantation (Hayasaka I et al. Pediatr.Res. 2017 Nov 01; doi:10.1038/pr.2017.217). This amino acid position is highly conserved in available vertebrate species. In addition, the in silico prediction for this alteration is inconclusive. Based on available evidence to date, the clinical significance of this alteration remains unclear.

NM_001317778.2(SFTPC):c.181A>G (p.Ser61Gly)

Gene: SFTPC (surfactant protein C; plus strand). Cytogenetic location: 8p21.3.
Variant type: single nucleotide variant.
Coding change: c.181A>G on transcript NM_001317778.2 (MANE Select); coding-DNA position 181, A replaced by G.
Protein change: p.Ser61Gly; replaces serine 61 with glycine.
Molecular consequence: missense variant. On other transcripts: intron variant (2).
Genome position (GRCh38, 1-based): chr8:22,162,712, A>G. VCF-style: chr8-22162712-A-G. GRCh37 (hg19) VCF-style: chr8-22020225-A-G.
Other names: c.181A>G, p.Ser61Gly (NM_001172357.2, NM_001172410.2, NM_001317780.2 and 8 more transcripts); c.43-368A>G (NM_001385660.1, NM_001317779.2); short protein forms S61G.
Identifiers: ClinVar variation 1780728 (VCV001780728.2), dbSNP rs2538941481, ClinGen allele CA370536962.
Genomic context (GRCh38, chr8:22,162,712, plus strand): 5'-GTGGTGGTGGTCCTCATCGTCGTGGTGATTGTGGGAGCCCTGCTCATGGGTCTCCACATG[A>G]GCCAGAAACACACGGAGATGGTGAGAGGTGTGGGATGCACAGCAGTGGGCACAGGACATG-3'
Protein context (NP_001304707.1, residues 51-71): VGALLMGLHM[Ser61Gly]QKHTEMVLEM